The following is an entry in ClinVar:

NM_032242.4(PLXNA1):c.2052C>T (p.His684=)

Gene: PLXNA1 (plexin A1; plus strand). Cytogenetic location: 3q21.3.
Variant type: single nucleotide variant.
Coding change: c.2052C>T on transcript NM_032242.4 (MANE Select); coding-DNA position 2052, C replaced by T.
Protein change: p.His684=; no amino-acid change (histidine 684 retained).
Molecular consequence: synonymous variant.
Genome position (GRCh38, 1-based): chr3:127,007,853, C>T. VCF-style: chr3-127007853-C-T. GRCh37 (hg19) VCF-style: chr3-126726696-C-T.
Identifiers: ClinVar variation 3054301 (VCV003054301.4), dbSNP rs776992291, ClinGen allele CA2593481.
Genomic context (GRCh38, chr3:127,007,853, plus strand): 5'-CTGCAGCTGCCTGTCCTGTGTCAACGGCTCCTTTCCCTGCCACTGGTGCAAATACCGCCA[C>T]GTGTGCACACACAACGTGGCTGACTGCGCCTTCCTGGAGGGCCGTGTCAACGTGTCTGAG-3'
Protein context (NP_115618.3, residues 674-694): SFPCHWCKYR[His684=]VCTHNVADCA

ClinVar aggregate classification (germline): Likely benign. Review status: criteria provided, single submitter (1 of 4 stars). 2 submissions from 2 submitters: Likely benign (1). 1 of the submissions does not count toward it. Last evaluated 2026-04-01.

Conditions:
PLXNA1-related disorder. Also called: PLXNA1-related condition.

Allele frequency attached by ClinVar (database versions not stated): ExAC 0.00003; gnomAD 0.00006; gnomAD exomes 0.00007; TOPMed 0.00008.
gnomAD v4.1: 107 of 1,613,046 alleles (0.0066%); highest among the groups gnomAD compares: African/African-American, 0.019%; no homozygotes.

Submissions (2):

CeGaT Center for Human Genetics Tuebingen
Classification: Likely benign. Last evaluated: 2026-04-01. Review status: criteria provided, single submitter. Criteria: CeGaT Center For Human Genetics Tuebingen Variant Classification Criteria Version 2. Collection method: clinical testing. Allele origin: germline. Affected: yes. Observed: 1 variant allele.
Comment: PLXNA1: BP4, BP7

PreventionGenetics, part of Exact Sciences
Classification: Likely benign for PLXNA1-related condition. Last evaluated: 2021-09-01. Review status: no assertion criteria provided. Collection method: clinical testing. Allele origin: germline. Not counted in ClinVar's aggregate classification.
Comment: This variant is classified as likely benign based on ACMG/AMP sequence variant interpretation guidelines (Richards et al. 2015 PMID: 25741868, with internal and published modifications).